The following is an entry in ClinVar:

ClinVar aggregate classification (germline): Conflicting classifications of pathogenicity. Review status: criteria provided, conflicting classifications (1 of 4 stars). 5 submissions from 5 submitters: Uncertain significance (2); Likely benign (2). 1 of the submissions does not count toward it. Last evaluated 2026-01-28.

Conditions:
Inborn genetic diseases. Identifiers: MedGen C0950123, MeSH D030342.
Nemaline myopathy 2 (NEM2). Also called: Nemaline myopathy 2, autosomal recessive. Identifiers: MedGen C1850569, MONDO:0009725, OMIM 256030.

Allele frequency attached by ClinVar (database versions not stated): gnomAD 0.00011 and 0.00012; TOPMed 0.00015; ExAC 0.00018; gnomAD exomes 0.00022; ESP Exome Variant Server 0.00025.
gnomAD v4.1: 173 of 1,611,016 alleles (0.011%); highest among the groups gnomAD compares: Middle Eastern, 0.017%; no homozygotes.

Submissions (5):

Labcorp Genetics (formerly Invitae), Labcorp
Classification: Likely benign for Nemaline myopathy 2. Last evaluated: 2026-01-28. Review status: criteria provided, single submitter. Criteria: Invitae Variant Classification Sherloc (09022015). Collection method: clinical testing. Allele origin: germline.

Ambry Genetics
Classification: Uncertain significance for Inborn genetic diseases. Last evaluated: 2021-07-14. Review status: criteria provided, single submitter. Criteria: Ambry Variant Classification Scheme 2023. Collection method: clinical testing. Allele origin: germline.

Illumina Laboratory Services, Illumina
Classification: Uncertain significance for Nemaline myopathy 2. Last evaluated: 2018-01-13. Review status: criteria provided, single submitter. Criteria: ICSL Variant Classification Criteria 13 December 2019. Collection method: clinical testing. Allele origin: germline.

GeneDx
Classification: Likely benign. Last evaluated: 2015-03-03. Review status: criteria provided, single submitter. Criteria: GeneDx Variant Classification Process June 2021. Collection method: clinical testing. Allele origin: germline. Affected: yes.
Comment: See Variant Classification Assertion Criteria.

Natera, Inc.
Classification: Uncertain significance for Nemaline myopathy type 2. Last evaluated: 2019-11-11. Review status: no assertion criteria provided. Collection method: clinical testing. Allele origin: germline. Not counted in ClinVar's aggregate classification.

NM_001164508.2(NEB):c.293C>T (p.Pro98Leu)

Gene: NEB (nebulin; minus strand). Cytogenetic location: 2q23.3.
Variant type: single nucleotide variant.
Coding change: c.293C>T on transcript NM_001164508.2 (MANE Select); coding-DNA position 293, C replaced by T.
Protein change: p.Pro98Leu; replaces proline 98 with leucine.
Molecular consequence: missense variant.
Genome position (GRCh38, 1-based): chr2:151,727,692, G>A on the plus strand (C>T on the coding strand, the complement: NEB is on the minus strand). VCF-style: chr2-151727692-G-A. GRCh37 (hg19) VCF-style: chr2-152584206-G-A.
Other names: c.293C>T, p.Pro98Leu (NM_001164507.2, NM_001271208.2, NM_004543.5); short protein forms P98L.
Identifiers: ClinVar variation 704072 (VCV000704072.21), dbSNP rs201473194, ClinGen allele CA1911961.
Genomic context (GRCh38, chr2:151,727,692, plus strand): 5'-TTGAGATAAGTAATTTCTTAATAATCAAGCCAGGTTAGCAGAAGTTGTTTGAAACTTACT[G>A]GGCTAAAAAGATCCTGCATTTTCTGACTGTGTGCAATGTAGGGGGTCATGAACTTTGAAG-3'
Protein context (NP_001157980.2, residues 88-108): HSQKMQDLFS[Pro98Leu]NKYKEKFEKT